The following is an entry in ClinVar:

ClinVar aggregate classification (germline): Uncertain significance (1 of 4 stars; one submission).

Conditions:
Hereditary cancer-predisposing syndrome. Also called: Hereditary Cancer Syndrome; Hereditary neoplastic syndrome; Neoplastic Syndromes, Hereditary; Tumor predisposition. Identifiers: Orphanet 140162, MedGen C0027672, MeSH D009386, MONDO:0015356.

Submission:

Ambry Genetics
Classification: Uncertain significance for Hereditary cancer-predisposing syndrome. Last evaluated: 2020-06-25. Review status: criteria provided, single submitter. Criteria: Ambry Variant Classification Scheme 2023. Collection method: clinical testing. Allele origin: germline.
Comment: The p.L1408R variant (also known as c.4223T>G), located in coding exon 22 of the DICER1 gene, results from a T to G substitution at nucleotide position 4223. The leucine at codon 1408 is replaced by arginine, an amino acid with dissimilar properties. This amino acid position is well conserved in available vertebrate species. In addition, the in silico prediction for this alteration is inconclusive. Since supporting evidence is limited at this time, the clinical significance of this alteration remains unclear.

NM_177438.3(DICER1):c.4223T>G (p.Leu1408Arg)

Gene: DICER1 (dicer 1, ribonuclease III; minus strand). Cytogenetic location: 14q32.13.
Variant type: single nucleotide variant.
Coding change: c.4223T>G on transcript NM_177438.3 (MANE Select); coding-DNA position 4223, T replaced by G.
Protein change: p.Leu1408Arg; replaces leucine 1408 with arginine.
Molecular consequence: missense variant. On other transcripts: non-coding transcript variant (6).
Genome position (GRCh38, 1-based): chr14:95,096,697, A>C on the plus strand (T>G on the coding strand, the complement: DICER1 is on the minus strand). VCF-style: chr14-95096697-A-C. GRCh37 (hg19) VCF-style: chr14-95563034-A-C.
Other names: c.4223T>G, p.Leu1408Arg (NM_001395680.1, NM_001395681.1, NM_001395682.1 and 13 more transcripts); c.3818T>G, p.Leu1273Arg (NM_001395687.1, NM_001395688.1, NM_001395689.1 and 2 more transcripts); c.3941T>G, p.Leu1314Arg (NM_001395686.1); c.3656T>G, p.Leu1219Arg (NM_001395691.1); c.2540T>G, p.Leu847Arg (NM_001395697.1); short protein forms L1273R, L847R, L1314R, L1408R, L1219R.
Identifiers: ClinVar variation 1738845 (VCV001738845.2), dbSNP rs1890385860, ClinGen allele CA390869831.
Genomic context (GRCh38, chr14:95,096,697, plus strand): 5'-ATCAGGCTCTCCTCCTCCTCATCCTCCTCCTCGTAATCCTCATCCAGTTTGCCATTCGCC[A>C]GCATGCAGTCTTTTGTCTGAAACGAGGGGGAATGGGGAAGGAGGGGAAACATAGCTGCTG-3'
Protein context (NP_803187.1, residues 1398-1418): EKDEMTKDCM[Leu1408Arg]ANGKLDEDYE